The following is an entry in ClinVar:

NM_020163.3(SEMA3G):c.1879-10C>T

Gene: SEMA3G (semaphorin 3G; minus strand). Cytogenetic location: 3p21.1.
Variant type: single nucleotide variant.
Coding change: c.1879-10C>T on transcript NM_020163.3 (MANE Select); 10 bases into the intron before coding-DNA position 1879, C replaced by T.
Molecular consequence: intron variant.
Genome position (GRCh38, 1-based): chr3:52,436,083, G>A on the plus strand (C>T on the coding strand, the complement: SEMA3G is on the minus strand). VCF-style: chr3-52436083-G-A. GRCh37 (hg19) VCF-style: chr3-52470099-G-A.
Identifiers: ClinVar variation 3357703 (VCV003357703.1).

ClinVar aggregate classification (germline): Likely benign (0 of 4 stars; one submission).

Conditions:
SEMA3G-related disorder. Also called: SEMA3G-related condition.

gnomAD v4.1: 31 of 1,597,464 alleles (0.0019%); highest among the groups gnomAD compares: South Asian, 0.0034%; no homozygotes.

Submission:

PreventionGenetics, part of Exact Sciences
Classification: Likely benign for SEMA3G-related condition. Last evaluated: 2024-02-07. Review status: no assertion criteria provided. Collection method: clinical testing. Allele origin: germline.
Comment: This variant is classified as likely benign based on ACMG/AMP sequence variant interpretation guidelines (Richards et al. 2015 PMID: 25741868, with internal and published modifications).